The following is an entry in ClinVar:

NM_000465.4(BARD1):c.140T>C (p.Leu47Pro)

Gene: BARD1 (BRCA1 associated RING domain 1; minus strand). Cytogenetic location: 2q35.
Variant type: single nucleotide variant.
Coding change: c.140T>C on transcript NM_000465.4 (MANE Select); coding-DNA position 140, T replaced by C.
Protein change: p.Leu47Pro; replaces leucine 47 with proline.
Molecular consequence: missense variant. On other transcripts: non-coding transcript variant (3).
Genome position (GRCh38, 1-based): chr2:214,809,430, A>G on the plus strand (T>C on the coding strand, the complement: BARD1 is on the minus strand). VCF-style: chr2-214809430-A-G. GRCh37 (hg19) VCF-style: chr2-215674154-A-G.
Other names: c.140T>C, p.Leu47Pro (NM_001282543.2, NM_001282545.2, NM_001282548.2 and 1 more transcripts); short protein forms L47P.
Identifiers: ClinVar variation 482783 (VCV000482783.5), dbSNP rs1553628364, ClinGen allele CA350464823.

ClinVar aggregate classification (germline): Uncertain significance (1 of 4 stars; one submission).

Conditions:
Hereditary cancer-predisposing syndrome. Also called: Neoplastic Syndromes, Hereditary; Tumor predisposition; Hereditary Cancer Syndrome; Hereditary neoplastic syndrome. Identifiers: Orphanet 140162, MedGen C0027672, MeSH D009386, MONDO:0015356.

Submission:

Ambry Genetics
Classification: Uncertain significance for Hereditary cancer-predisposing syndrome. Last evaluated: 2016-03-16. Review status: criteria provided, single submitter. Criteria: Ambry Variant Classification Scheme 2023. Collection method: clinical testing. Allele origin: germline.
Comment: The p.L47P variant (also known as c.140T>C), located in coding exon 1 of the BARD1 gene, results from a T to C substitution at nucleotide position 140. The leucine at codon 47 is replaced by proline, an amino acid with similar properties. This variant was not reported in population based cohorts in the following databases: Database of Single Nucleotide Polymorphisms (dbSNP), NHLBI Exome Sequencing Project (ESP), and 1000 Genomes Project. In the ESP, this variant was not observed in 6135 samples (12270 alleles) with coverage at this position. To date, this alteration has been detected with an allele frequency of approximately 0.001% (greater than 120000 alleles tested) in our clinical cohort. This amino acid position is not well conserved in available vertebrate species. In addition, the in silico prediction for this alteration is inconclusive. Since supporting evidence is limited at this time, the clinical significance of this alteration remains unclear.